The following is an entry in ClinVar:

ClinVar aggregate classification (germline): Conflicting classifications of pathogenicity. Review status: criteria provided, conflicting classifications (1 of 4 stars). 2 submissions from 2 submitters: Uncertain significance (1); Benign (1). Last evaluated 2026-01-11.

Conditions:
Hypertrophic cardiomyopathy. Also called: HYPERTROPHIC MYOCARDIOPATHY. Identifiers: Orphanet 217569, MedGen C0007194, MeSH D002312, MONDO:0005045, HP:0001639.

Allele frequency attached by ClinVar (database versions not stated): gnomAD 0.00007 and 0.00011; TOPMed 0.00014; gnomAD exomes 0.00023 and 0.00035; ExAC 0.00041; 1000 Genomes Project 30x 0.00047; 1000 Genomes Project 0.00060.
gnomAD v4.1: 339 of 1,613,810 alleles (0.021%); highest among the groups gnomAD compares: East Asian, 0.74%; 1 homozygote.

Submissions (2):

Labcorp Genetics (formerly Invitae), Labcorp
Classification: Benign for Hypertrophic cardiomyopathy. Last evaluated: 2026-01-11. Review status: criteria provided, single submitter. Criteria: Invitae Variant Classification Sherloc (09022015). Collection method: clinical testing. Allele origin: germline.

Ambry Genetics
Classification: Uncertain significance. Last evaluated: 2022-03-04. Review status: criteria provided, single submitter. Criteria: Ambry Variant Classification Scheme 2023. Collection method: clinical testing. Allele origin: germline.
Comment: The p.P1165S variant (also known as c.3493C>T), located in coding exon 22 of the MYOM1 gene, results from a C to T substitution at nucleotide position 3493. The proline at codon 1165 is replaced by serine, an amino acid with similar properties. This amino acid position is conserved. In addition, this alteration is predicted to be tolerated by in silico analysis. Since supporting evidence is limited at this time, the clinical significance of this alteration remains unclear.

NM_003803.4(MYOM1):c.3493C>T (p.Pro1165Ser)

Gene: MYOM1 (myomesin 1; minus strand). Cytogenetic location: 18p11.31.
Variant type: single nucleotide variant.
Coding change: c.3493C>T on transcript NM_003803.4 (MANE Select); coding-DNA position 3493, C replaced by T.
Protein change: p.Pro1165Ser; replaces proline 1165 with serine.
Molecular consequence: missense variant.
Genome position (GRCh38, 1-based): chr18:3,102,556, G>A on the plus strand (C>T on the coding strand, the complement: MYOM1 is on the minus strand). VCF-style: chr18-3102556-G-A. GRCh37 (hg19) VCF-style: chr18-3102554-G-A.
Other names: c.3205C>T, p.Pro1069Ser (NM_019856.2); short protein forms P1069S, P1165S.
Identifiers: ClinVar variation 698809 (VCV000698809.12), dbSNP rs138392588, ClinGen allele CA8874273.